The following is an entry in ClinVar:

ClinVar aggregate classification (germline): Uncertain significance (1 of 4 stars; one submission).

Conditions:
Neuromuscular disease caused by qualitative or quantitative defects of dysferlin. Also called: Qualitative or quantitative defects of dysferlin; Dysferlinopathy. Identifiers: Orphanet 207073, MedGen C2931687, MONDO:0016145.

Allele frequency attached by ClinVar (database versions not stated): ExAC 0.00001; gnomAD 0.00001; TOPMed 0.00001.
gnomAD v4.1: 6 of 1,614,134 alleles (0.00037%); highest among the groups gnomAD compares: Non-Finnish European, 0.00051%; no homozygotes.

Submission:

Labcorp Genetics (formerly Invitae), Labcorp
Classification: Uncertain significance for Neuromuscular disease caused by qualitative or quantitative defects of dysferlin. Last evaluated: 2022-03-27. Review status: criteria provided, single submitter. Criteria: Invitae Variant Classification Sherloc (09022015). Collection method: clinical testing. Allele origin: germline.
Comment: This sequence change replaces isoleucine, which is neutral and non-polar, with threonine, which is neutral and polar, at codon 364 of the DYSF protein (p.Ile364Thr). This variant is present in population databases (rs775670725, gnomAD 0.0009%). This variant has not been reported in the literature in individuals affected with DYSF-related conditions. Algorithms developed to predict the effect of missense changes on protein structure and function are either unavailable or do not agree on the potential impact of this missense change (SIFT: "Deleterious"; PolyPhen-2: "Probably Damaging"; Align-GVGD: "Class C0"). In summary, the available evidence is currently insufficient to determine the role of this variant in disease. Therefore, it has been classified as a Variant of Uncertain Significance.

NM_001130987.2(DYSF):c.1187T>C (p.Ile396Thr)

Gene: DYSF (dysferlin; plus strand). Cytogenetic location: 2p13.2.
Variant type: single nucleotide variant.
Coding change: c.1187T>C on transcript NM_001130987.2 (MANE Select); coding-DNA position 1187, T replaced by C.
Protein change: p.Ile396Thr; replaces isoleucine 396 with threonine.
Molecular consequence: missense variant.
Genome position (GRCh38, 1-based): chr2:71,526,257, T>C. VCF-style: chr2-71526257-T-C. GRCh37 (hg19) VCF-style: chr2-71753387-T-C.
Other names: c.1094T>C, p.Ile365Thr (NM_001130455.2, NM_001130983.2, NM_001130984.2 and 1 more transcripts); c.1091T>C, p.Ile364Thr (NM_001130976.2, NM_001130977.2, NM_001130978.2 and 1 more transcripts); c.1184T>C, p.Ile395Thr (NM_001130979.2, NM_001130980.2, NM_001130981.2); c.1187T>C, p.Ile396Thr (NM_001130982.2, NM_001130985.2); short protein forms I365T, I396T, I364T, I395T.
Identifiers: ClinVar variation 2139693 (VCV002139693.1), dbSNP rs775670725, ClinGen allele CA1705644.